The following is an entry in ClinVar:

ClinVar aggregate classification (germline): Uncertain significance (1 of 4 stars; one submission).

Conditions:
Charcot-Marie-Tooth disease type 4. Also called: Charcot-Marie-Tooth disease, type IV; Charcot-Marie-Tooth, Type 4. Identifiers: Orphanet 64749, MedGen C4082197, MONDO:0018995.

Allele frequency attached by ClinVar (database versions not stated): TOPMed below 0.00001; gnomAD exomes below 0.00001.

Submission:

Labcorp Genetics (formerly Invitae), Labcorp
Classification: Uncertain significance for Charcot-Marie-Tooth disease type 4. Last evaluated: 2019-03-29. Review status: criteria provided, single submitter. Criteria: Invitae Variant Classification Sherloc (09022015). Collection method: clinical testing. Allele origin: germline.
Comment: This sequence change replaces alanine with valine at codon 267 of the PRX protein (p.Ala267Val). The alanine residue is moderately conserved and there is a small physicochemical difference between alanine and valine. The frequency data for this variant in the population databases is considered unreliable, as metrics indicate insufficient coverage at this position in the ExAC database. This variant has not been reported in the literature in individuals with PRX-related conditions. Algorithms developed to predict the effect of missense changes on protein structure and function are either unavailable or do not agree on the potential impact of this missense change (SIFT: "Tolerated"; PolyPhen-2: "Possibly Damaging"; Align-GVGD: "Class C0"). In summary, the available evidence is currently insufficient to determine the role of this variant in disease. Therefore, it has been classified as a Variant of Uncertain Significance.

NM_181882.3(PRX):c.800C>T (p.Ala267Val)

Gene: PRX (periaxin; minus strand). Cytogenetic location: 19q13.2.
Variant type: single nucleotide variant.
Coding change: c.800C>T on transcript NM_181882.3 (MANE Select); coding-DNA position 800, C replaced by T.
Protein change: p.Ala267Val; replaces alanine 267 with valine.
Molecular consequence: missense variant. On other transcripts: 3 prime UTR variant (1).
Genome position (GRCh38, 1-based): chr19:40,397,552, G>A on the plus strand (C>T on the coding strand, the complement: PRX is on the minus strand). VCF-style: chr19-40397552-G-A. GRCh37 (hg19) VCF-style: chr19-40903459-G-A.
Other names: c.*1005C>T (NM_020956.2); short protein forms A267V.
Identifiers: ClinVar variation 860931 (VCV000860931.8), dbSNP rs1030892757, ClinGen allele CA308421523.